The following is an entry in ClinVar:

NM_025009.5(CEP135):c.3137A>T (p.His1046Leu)

Gene: CEP135 (centrosomal protein 135; plus strand). Cytogenetic location: 4q12.
Variant type: single nucleotide variant.
Coding change: c.3137A>T on transcript NM_025009.5 (MANE Select); coding-DNA position 3137, A replaced by T.
Protein change: p.His1046Leu; replaces histidine 1046 with leucine.
Molecular consequence: missense variant.
Genome position (GRCh38, 1-based): chr4:56,019,477, A>T. VCF-style: chr4-56019477-A-T. GRCh37 (hg19) VCF-style: chr4-56885643-A-T.
Other names: short protein forms H1046L.
Identifiers: ClinVar variation 1465616 (VCV001465616.3), dbSNP rs1159963248, ClinGen allele CA356974190.

ClinVar aggregate classification (germline): Uncertain significance (1 of 4 stars; one submission).

gnomAD v4.1: 3 of 1,613,992 alleles (0.00019%); highest among the groups gnomAD compares: Non-Finnish European, 0.00025%; no homozygotes.

Submission:

Labcorp Genetics (formerly Invitae), Labcorp
Classification: Uncertain significance. Last evaluated: 2021-11-28. Review status: criteria provided, single submitter. Criteria: Invitae Variant Classification Sherloc (09022015). Collection method: clinical testing. Allele origin: germline.
Comment: This sequence change replaces histidine, which is basic and polar, with leucine, which is neutral and non-polar, at codon 1046 of the CEP135 protein (p.His1046Leu). This variant is not present in population databases (gnomAD no frequency). This variant has not been reported in the literature in individuals affected with CEP135-related conditions. Algorithms developed to predict the effect of missense changes on protein structure and function (SIFT, PolyPhen-2, Align-GVGD) all suggest that this variant is likely to be tolerated. In summary, the available evidence is currently insufficient to determine the role of this variant in disease. Therefore, it has been classified as a Variant of Uncertain Significance.